The following is an entry in ClinVar:

NM_001048174.2(MUTYH):c.606+1G>T

Gene: MUTYH (mutY DNA glycosylase; minus strand). Cytogenetic location: 1p34.1.
Variant type: single nucleotide variant.
Coding change: c.606+1G>T on transcript NM_001048174.2 (MANE Select); the canonical splice donor site of the intron after coding-DNA position 606, G replaced by T.
Molecular consequence: splice donor variant.
Genome position (GRCh38, 1-based): chr1:45,332,573, C>A on the plus strand (G>T on the coding strand, the complement: MUTYH is on the minus strand). VCF-style: chr1-45332573-C-A. GRCh37 (hg19) VCF-style: chr1-45798245-C-A.
Other names: c.639+1G>T (NM_001407077.1, NM_001293191.2, NM_001407069.1); c.648+1G>T (NM_001407083.1, NM_001407085.1); c.522+1G>T (NM_001407075.1); c.606+1G>T (NM_001407081.1, NM_001407088.1, NM_001293195.2 and 6 more transcripts); c.609+1G>T (NM_001407078.1, NM_001407086.1, NM_001407071.1 and 1 more transcripts); c.330+1G>T (NM_001407091.1, NM_001293192.2, NM_001293196.2); c.627+1G>T (NM_001407087.1); c.261+1G>T (NM_001350651.2, NM_001350650.2, NM_001407082.1); and 5 more.
Identifiers: ClinVar variation 238352 (VCV000238352.12), dbSNP rs878854193, ClinGen allele CA10581808.

ClinVar aggregate classification (germline): Likely pathogenic. Review status: criteria provided, multiple submitters, no conflicts (2 of 4 stars). 4 submissions from 4 submitters: Likely pathogenic (4). Last evaluated 2023-05-27.

Conditions:
Familial adenomatous polyposis 2. Also called: FAP type 2; MUTYH Polyposis; MUTYH-related attenuated familial adenomatous polyposis; COLORECTAL ADENOMATOUS POLYPOSIS, AUTOSOMAL RECESSIVE; ADENOMAS, MULTIPLE COLORECTAL, AUTOSOMAL RECESSIVE; Adenomas, multiple colorectal. Identifiers: Orphanet 220460, Orphanet 247798, MedGen C3272841, MONDO:0012041, OMIM 608456.
Hereditary cancer-predisposing syndrome. Also called: Tumor predisposition; Hereditary neoplastic syndrome; Neoplastic Syndromes, Hereditary; Hereditary Cancer Syndrome. Identifiers: Orphanet 140162, MedGen C0027672, MeSH D009386, MONDO:0015356.

Allele frequency attached by ClinVar (database versions not stated): gnomAD exomes below 0.00001.
gnomAD v4.1: 1 of 1,614,056 alleles (0.000062%); highest among the groups gnomAD compares: Non-Finnish European, 0.000085%; no homozygotes.

Submissions (4):

Labcorp Genetics (formerly Invitae), Labcorp
Classification: Likely pathogenic for Familial adenomatous polyposis 2. Last evaluated: 2023-05-27. Review status: criteria provided, single submitter. Criteria: Invitae Variant Classification Sherloc (09022015). Collection method: clinical testing. Allele origin: germline.
Comment: This sequence change affects a donor splice site in intron 8 of the MUTYH gene. It is expected to disrupt RNA splicing. Variants that disrupt the donor or acceptor splice site typically lead to a loss of protein function (PMID: 16199547), and loss-of-function variants in MUTYH are known to be pathogenic (PMID: 18534194, 20663686). This variant is not present in population databases (gnomAD no frequency). In summary, the currently available evidence indicates that the variant is pathogenic, but additional data are needed to prove that conclusively. Therefore, this variant has been classified as Likely Pathogenic. Algorithms developed to predict the effect of sequence changes on RNA splicing suggest that this variant may disrupt the consensus splice site. ClinVar contains an entry for this variant (Variation ID: 238352). This variant has not been reported in the literature in individuals affected with MUTYH-related conditions.

Baylor Genetics
Classification: Likely pathogenic for Familial adenomatous polyposis 2. Last evaluated: 2023-05-04. Review status: criteria provided, single submitter. Criteria: ACMG Guidelines, 2015. Collection method: clinical testing. Allele origin: unknown.

Ambry Genetics
Classification: Likely pathogenic for Hereditary cancer-predisposing syndrome. Last evaluated: 2022-04-12. Review status: criteria provided, single submitter. Criteria: Ambry Variant Classification Scheme 2023. Collection method: clinical testing. Allele origin: germline.
Comment: The c.690+1G>T intronic variant results from a G to T substitution one nucleotide after coding exon 8 of the MUTYH gene. Alterations that disrupt the canonical splice site are expected to result in aberrant splicing. In silico splice site analysis predicts that this alteration will weaken the native splice donor site; however, direct evidence is insufficient at this time (Ambry internal data). The resulting transcript is predicted to be in-frame and is not expected to trigger nonsense-mediated mRNAdecay; however, direct evidence is unavailable. The exact functional effect of the altered amino acid sequence is unknown; however, the impacted region is critical for protein function (Ambry internal data). This variant is considered to be rare based on population cohorts in the Genome Aggregation Database (gnomAD). This nucleotide position is highly conserved in available vertebrate species. Based on the majority of available evidence to date, this variant is likely to be pathogenic.

GeneDx
Classification: Likely pathogenic. Last evaluated: 2016-09-07. Review status: criteria provided, single submitter. Criteria: GeneDx Variant Classification (06012015). Collection method: clinical testing. Allele origin: germline. Affected: yes.
Comment: This variant is denoted MUTYH c.690+1G>T or IVS8+1G>T and consists of a G>T nucleotide substitution at the +1 position of intron 8 of the MUTYH gene. Although this variant destroys a canonical splice acceptor site and is predicted to cause abnormal splicing of exon 8, the skipping of exon 8 is predicted to be an in-frame event. While this particular variant has not, to our knowledge, been published in the literature, a nearby exonic variant, MUTYH c.690G>A, has been shown to result in skipping of exon 8 (Dallosso 2008). Importantly, Dellosso et al. (2008) reported that MUTYH c.690G>A has occurred in trans with MUTYH Tyr179Cys, one of the two common MUTYH pathogenic variants, in two individuals presenting with a phenotype consistent with MUTYH-Associated Polyposis (MAP), thus supporting that the skipping of exon 8 is deleterious. Based on the currently available information, we consider MUTYH c.690+1G>T to be a likely pathogenic variant.

Literature cited by the submitters: PubMed 16199547 (cited by Labcorp Genetics (formerly Invitae), Labcorp); PubMed 18534194 (cited by Labcorp Genetics (formerly Invitae), Labcorp); PubMed 20663686 (cited by Labcorp Genetics (formerly Invitae), Labcorp).